The following is an entry in ClinVar:

NM_000492.4(CFTR):c.3266G>A (p.Trp1089Ter)

Genes: CFTR (CF transmembrane conductance regulator; plus strand), CFTR-AS2 (CFTR antisense RNA 2; minus strand), LOC111674472 (DNase I hypersensitive sites in introns 16 and 17a of CFTR; plus strand). Cytogenetic location: 7q31.2.
Variant type: single nucleotide variant.
Coding change: c.3266G>A on transcript NM_000492.4 (MANE Select); coding-DNA position 3266, G replaced by A.
Protein change: p.Trp1089Ter; replaces tryptophan 1089 with a stop codon.
Molecular consequence: nonsense.
Genome position (GRCh38, 1-based): chr7:117,611,707, G>A. VCF-style: chr7-117611707-G-A. GRCh37 (hg19) VCF-style: chr7-117251761-G-A.
Other names: short protein forms W1089*.
Identifiers: ClinVar variation 7194 (VCV000007194.45), dbSNP rs78802634, ClinGen allele CA340653.

ClinVar aggregate classification (germline): Pathogenic. Review status: reviewed by expert panel (3 of 4 stars). 18 submissions from 17 submitters: Pathogenic (1). 17 of the submissions do not count toward it. Last evaluated 2017-03-17.

Conditions:
CFTR-related disorder (CFTR-RD). Also called: CFTR-related condition; CFTR-related disorders. Identifiers: MedGen C5924204, MONDO:7770004.
Cystic fibrosis (CF). Also called: MUCOVISCIDOSIS. Identifiers: Orphanet 586, MedGen C0010674, MONDO:0009061, OMIM 219700. Disease mechanism: loss of function.
Congenital bilateral aplasia of vas deferens from CFTR mutation (CBAVD). Identifiers: Orphanet 48, MedGen C0403814, MONDO:0010178, OMIM 277180. Disease mechanism: loss of function.
Hereditary pancreatitis (PCTT). Also called: Hereditary chronic pancreatitis; PRSS1-Related Hereditary Pancreatitis. Identifiers: Orphanet 676, MedGen C0238339, MONDO:0008185, OMIM 167800.
Bronchiectasis with or without elevated sweat chloride 1 (BESC1). Also called: Cystic Fibrosis-Like Syndrome. Identifiers: Orphanet 60033, MedGen C2749757, MONDO:0008887, OMIM 211400.

Allele frequency attached by ClinVar (database versions not stated): TOPMed 0.00001; gnomAD exomes 0.00002; ExAC 0.00001.
gnomAD v4.1: 8 of 1,613,376 alleles (0.0005%); highest among the groups gnomAD compares: Admixed American, 0.012%; no homozygotes.

Submissions (18):

CFTR2
Classification: Pathogenic for Cystic fibrosis. Last evaluated: 2017-03-17. Review status: reviewed by expert panel. Criteria: Sosnay PR et al. (Nat Genet 2013). Collection method: research. Allele origin: germline. Affected: yes. Study: CFTR2.

Natera, Inc.
Classification: Pathogenic for CFTR-related disorders. Last evaluated: 2025-12-30. Review status: criteria provided, single submitter. Criteria: Natera Variant Classification Schema (03/2026). Collection method: clinical testing. Allele origin: germline. Not counted in ClinVar's aggregate classification.
Comment: The c.3266G>A variant in CFTR is a nonsense variant predicted to introduce a stop codon at amino acid 1089. This variant is expected to result in nonsense mediated decay, truncation, or a dysfunctional protein product. This variant is rare in the general population with a frequency below the threshold expected for the associated phenotype(s). This variant has been observed in one or more individuals affected with the associated recessive disease, as either homozygous or compound heterozygous with a second variant (PMID: 23687349). Given the available evidence, this variant is classified as Pathogenic.

Labcorp Genetics (formerly Invitae), Labcorp
Classification: Pathogenic for Cystic fibrosis. Last evaluated: 2025-11-23. Review status: criteria provided, single submitter. Criteria: Invitae Variant Classification Sherloc (09022015). Collection method: clinical testing. Allele origin: germline. Not counted in ClinVar's aggregate classification.
Comment: This sequence change creates a premature translational stop signal (p.Trp1089*) in the CFTR gene. It is expected to result in an absent or disrupted protein product. Loss-of-function variants in CFTR are known to be pathogenic (PMID: 1695717, 7691345, 9725922). This variant is present in population databases (rs78802634, gnomAD 0.02%). This premature translational stop signal has been observed in individuals with cystic fibrosis (PMID: 7520798, 23974870). ClinVar contains an entry for this variant (Variation ID: 7194). Algorithms developed to predict the effect of sequence changes on RNA splicing suggest that this variant may disrupt the consensus splice site. For these reasons, this variant has been classified as Pathogenic.

Dasa
Classification: Pathogenic. Last evaluated: 2025-07-29. Review status: criteria provided, single submitter. Criteria: DASA Assertion Criteria. Collection method: clinical testing. Allele origin: germline. Not counted in ClinVar's aggregate classification.
Comment: NM_000492.4(CFTR):c.3266G>A (p.Trp1089Ter) introduces a premature termination codon predicted to result in loss of normal protein function. Loss-of-function is an established mechanism of disease for this gene. This variant has been recurrently observed in individuals with related phenotype (PMID: 31118044; PMID: 7520798; PMID: 22103471). The variant is present at low frequency in population datasets. Based on the available data, this variant is classified as pathogenic.

Fulgent Genetics
Classification: Pathogenic for Hereditary pancreatitis; Bronchiectasis with or without elevated sweat chloride 1; Cystic fibrosis; Congenital bilateral aplasia of vas deferens from CFTR mutation. Last evaluated: 2024-04-26. Review status: criteria provided, single submitter. Criteria: ACMG Guidelines, 2015. Collection method: clinical testing. Allele origin: germline. Not counted in ClinVar's aggregate classification.

Baylor Genetics
Classification: Pathogenic for Bronchiectasis with or without elevated sweat chloride 1. Last evaluated: 2023-12-29. Review status: criteria provided, single submitter. Criteria: ACMG Guidelines, 2015. Collection method: clinical testing. Allele origin: unknown. Not counted in ClinVar's aggregate classification.

Mayo Clinic Laboratories, Mayo Clinic
Classification: Pathogenic. Last evaluated: 2023-02-16. Review status: criteria provided, single submitter. Criteria: ACMG Guidelines, 2015. Collection method: clinical testing. Allele origin: germline. Observed: 2 variant alleles. Not counted in ClinVar's aggregate classification.

Johns Hopkins Genomics, Johns Hopkins University
Classification: Pathogenic for Cystic fibrosis. Last evaluated: 2022-09-06. Review status: criteria provided, single submitter. Criteria: ACMG Guidelines, 2015. Collection method: clinical testing. Allele origin: germline. Not counted in ClinVar's aggregate classification.
Comment: Disease-causing CFTR variant. See CFTR2 for phenotype information.

Ambry Genetics
Classification: Pathogenic for Cystic fibrosis. Last evaluated: 2021-03-25. Review status: criteria provided, single submitter. Criteria: Ambry Variant Classification Scheme 2023. Collection method: clinical testing. Allele origin: germline. Not counted in ClinVar's aggregate classification.
Comment: The p.W1089* pathogenic mutation (also known as c.3266G>A), located in coding exon 20 of the CFTR gene, results from a G to A substitution at nucleotide position 3266. This changes the amino acid from a tryptophan to a stop codon within coding exon 20. This alteration has been identified in multiple individuals with cystic fibrosis (Shoshani T et al. Hum. Mol. Genet., 1994 Apr;3:657-8; Mart&iacute;nez-Hern&aacute;ndez A et al. BMC Med Genomics, 2019 05;12:68). This alteration is also associated with pancreatic insufficiency and elevated sweat chloride levels (Sosnay PR et al. Nat. Genet., 2013 Oct;45:1160-7) and with congenital absence of the vas deferens (Salda&ntilde;a-Alvarez Y et al. Genet Test Mol Biomarkers, 2012 Apr;16:292-6). In addition to the clinical data presented in the literature, this alteration is expected to result in loss of function by premature protein truncation or nonsense-mediated mRNA decay. As such, this alteration is interpreted as a disease-causing mutation.

Myriad Genetics, Inc.
Classification: Pathogenic for Cystic fibrosis. Last evaluated: 2019-12-07. Review status: criteria provided, single submitter. Criteria: Myriad Women's Health Autosomal Recessive and X-Linked Classification Criteria (2019). Collection method: clinical testing. Allele origin: unknown. Not counted in ClinVar's aggregate classification.
Comment: NM_000492.3(CFTR):c.3266G>A(W1089*) is classified as pathogenic in the context of cystic fibrosis and is associated with the classic form of disease. Sources cited for classification include the following: PMID 1284534, 18456578 and 23974870. Classification of NM_000492.3(CFTR):c.3266G>A(W1089*) is based on the following criteria: The variant causes a premature termination codon that is expected to be targeted by nonsense-mediated mRNA decay and is reported in individuals with the relevant phenotype. Please note: this variant was assessed in the context of healthy population screening.

Mendelics
Classification: Pathogenic for Cystic fibrosis. Last evaluated: 2018-11-05. Review status: criteria provided, single submitter. Criteria: Mendelics Assertion Criteria 2017. Collection method: clinical testing. Allele origin: unknown. Affected: yes. Not counted in ClinVar's aggregate classification.

CFTR-France
Classification: Pathogenic for cystic fibrosis. Last evaluated: 2018-01-29. Review status: criteria provided, single submitter. Criteria: Claustres M et al. (Hum Mutat 2017). Collection method: curation. Allele origin: germline. Affected: yes. Not counted in ClinVar's aggregate classification.

Quest Diagnostics Nichols Institute San Juan Capistrano
Classification: Pathogenic. Last evaluated: 2017-10-12. Review status: criteria provided, single submitter. Criteria: Quest Diagnostics criteria. Collection method: clinical testing. Allele origin: germline. Not counted in ClinVar's aggregate classification.

ARUP Laboratories, Molecular Genetics and Genomics, ARUP Laboratories
Classification: Pathogenic. Last evaluated: 2017-06-14. Review status: criteria provided, single submitter. Criteria: ARUP Molecular Germline Variant Investigation Process. Collection method: clinical testing. Allele origin: germline. Not counted in ClinVar's aggregate classification.

Baylor Genetics
Classification: Pathogenic for Congenital bilateral aplasia of vas deferens from CFTR mutation; Cystic fibrosis. Review status: criteria provided, single submitter. Criteria: ACMG Guidelines, 2015. Collection method: clinical testing. Allele origin: germline. Not counted in ClinVar's aggregate classification.

PreventionGenetics, part of Exact Sciences
Classification: Pathogenic for CFTR-related condition. Last evaluated: 2024-02-12. Review status: no assertion criteria provided. Collection method: clinical testing. Allele origin: germline. Not counted in ClinVar's aggregate classification.
Comment: The CFTR c.3266G>A variant is predicted to result in premature protein termination (p.Trp1089*). This variant has been reported as disease-causing in multiple individuals with cystic fibrosis and other CFTR-related disorders including congenital absence of the vas deferens (Shoshani et al. 1994. PubMed ID: 7520798; Saldaña-Alvarez et al. 2013. PubMed ID: 22103471; Sosnay et al. 2013. PubMed ID: 23974870; Martínez-Hernández et al. 2019. PubMed ID: 31118044). This variant is reported in 0.017% of alleles in individuals of Latino descent in gnomAD. Nonsense variants in CFTR are expected to be pathogenic. This variant is interpreted as pathogenic.

Women's Health and Genetics/Laboratory Corporation of America, LabCorp
Classification: Pathogenic for Cystic Fibrosis. Last evaluated: 2015-04-03. Review status: no assertion criteria provided. Collection method: clinical testing. Allele origin: germline. Not counted in ClinVar's aggregate classification.

OMIM
Classification: Pathogenic for CYSTIC FIBROSIS. Last evaluated: 1994-04-01. Review status: no assertion criteria provided. Collection method: literature only. Allele origin: germline. Not counted in ClinVar's aggregate classification.

Literature cited by the submitters: PubMed 23687349 (cited by Natera, Inc.); PubMed 1695717 (cited by Labcorp Genetics (formerly Invitae), Labcorp); PubMed 7691345 (cited by Labcorp Genetics (formerly Invitae), Labcorp); PubMed 9725922 (cited by Labcorp Genetics (formerly Invitae), Labcorp); PubMed 7520798 (cited by 4 submitters); PubMed 23974870 (cited by 3 submitters); PubMed 31118044 (cited by Dasa and Ambry Genetics); PubMed 22103471 (cited by Dasa and Ambry Genetics); PubMed 1284534 (cited by Myriad Genetics, Inc.); PubMed 18456578 (cited by Myriad Genetics, Inc.).